The following is an entry in ClinVar:

NC_000001.10:g.(?_193202113)_(193219842_?)del

Gene: CDC73 (cell division cycle 73; plus strand). Cytogenetic location: 1q31.2.
Variant type: Deletion.
Identifiers: ClinVar variation 1446550 (VCV001446550.7).

ClinVar aggregate classification (germline): Uncertain significance (1 of 4 stars; one submission).

Conditions:
Parathyroid carcinoma (PRTC). Also called: Parathyroid gland carcinoma; CDC73-Related Parathyroid Carcinoma. Identifiers: Orphanet 143, MedGen C0687150, MONDO:0012004, OMIM 608266, HP:0006780.

Submission:

Labcorp Genetics (formerly Invitae), Labcorp
Classification: Uncertain significance for Parathyroid carcinoma. Last evaluated: 2021-04-28. Review status: criteria provided, single submitter. Criteria: Invitae Variant Classification Sherloc (09022015). Collection method: clinical testing. Allele origin: germline.
Comment: In summary, the available evidence is currently insufficient to determine the role of this variant in disease. Therefore, it has been classified as a Variant of Uncertain Significance. Experimental studies and prediction algorithms are not available or were not evaluated, and the functional significance of this variant is currently unknown. This variant has not been reported in the literature in individuals with CDC73-related conditions. This variant is a gross deletion of the genomic region encompassing exon(s) 14-17 of the CDC73 gene. The 5' boundary is likely confined to intron 13. The 3' end of this event is unknown as it extends through the termination codon beyond the assayed region for this gene and may encompass additional genes. While this deletion is not anticipated to lead to nonsense mediated decay, it is expected to alter mRNA translation or result in a truncated protein product.